The following is an entry in ClinVar:

ClinVar aggregate classification (germline): Uncertain significance (1 of 4 stars; one submission).

Conditions:
Early Myoclonic Encephalopathy. Identifiers: MedGen C0270855.

gnomAD v4.1: 12 of 1,613,606 alleles (0.00074%); highest among the groups gnomAD compares: Non-Finnish European, 0.00051%; no homozygotes.

Submission:

Labcorp Genetics (formerly Invitae), Labcorp
Classification: Uncertain significance for Early Myoclonic Encephalopathy. Last evaluated: 2025-01-27. Review status: criteria provided, single submitter. Criteria: Invitae Variant Classification Sherloc (09022015). Collection method: clinical testing. Allele origin: germline.
Comment: This sequence change replaces threonine, which is neutral and polar, with alanine, which is neutral and non-polar, at codon 508 of the KCND2 protein (p.Thr508Ala). This variant is present in population databases (no rsID available, gnomAD 0.004%). This variant has not been reported in the literature in individuals affected with KCND2-related conditions. Invitae Evidence Modeling of protein sequence and biophysical properties (such as structural, functional, and spatial information, amino acid conservation, physicochemical variation, residue mobility, and thermodynamic stability) indicates that this missense variant is not expected to disrupt KCND2 protein function with a negative predictive value of 95%. In summary, the available evidence is currently insufficient to determine the role of this variant in disease. Therefore, it has been classified as a Variant of Uncertain Significance.

NM_012281.3(KCND2):c.1522A>G (p.Thr508Ala)

Gene: KCND2 (potassium voltage-gated channel subfamily D member 2; plus strand). Cytogenetic location: 7q31.31.
Variant type: single nucleotide variant.
Coding change: c.1522A>G on transcript NM_012281.3 (MANE Select); coding-DNA position 1522, A replaced by G.
Protein change: p.Thr508Ala; replaces threonine 508 with alanine.
Molecular consequence: missense variant.
Genome position (GRCh38, 1-based): chr7:120,745,834, A>G. VCF-style: chr7-120745834-A-G. GRCh37 (hg19) VCF-style: chr7-120385888-A-G.
Other names: short protein forms T508A.
Identifiers: ClinVar variation 3705730 (VCV003705730.2).